The following is an entry in ClinVar:

NM_004958.4(MTOR):c.476A>G (p.Asp159Gly)

Gene: MTOR (mechanistic target of rapamycin kinase; minus strand). Cytogenetic location: 1p36.22.
Variant type: single nucleotide variant.
Coding change: c.476A>G on transcript NM_004958.4 (MANE Select); coding-DNA position 476, A replaced by G.
Protein change: p.Asp159Gly; replaces aspartic acid 159 with glycine.
Molecular consequence: missense variant. On other transcripts: 5 prime UTR variant (1).
Genome position (GRCh38, 1-based): chr1:11,256,961, T>C on the plus strand (A>G on the coding strand, the complement: MTOR is on the minus strand). VCF-style: chr1-11256961-T-C. GRCh37 (hg19) VCF-style: chr1-11317018-T-C.
Other names: c.476A>G, p.Asp159Gly (NM_001386500.1); c.-664A>G (NM_001386501.1); short protein forms D159G.
Identifiers: ClinVar variation 1204038 (VCV001204038.4), dbSNP rs2100978140, ClinGen allele CA338403469.

ClinVar aggregate classification (germline): Uncertain significance (1 of 4 stars; one submission).

Submission:

GeneDx
Classification: Uncertain significance. Last evaluated: 2025-02-21. Review status: criteria provided, single submitter. Criteria: GeneDx Variant Classification Process June 2021. Collection method: clinical testing. Allele origin: germline. Affected: yes.
Comment: Not observed in large population cohorts (gnomAD); In silico analysis, which includes protein predictors and evolutionary conservation, supports a deleterious effect; Has not been previously published as pathogenic or benign to our knowledge